The following is an entry in ClinVar:

ClinVar aggregate classification (germline): Uncertain significance (1 of 4 stars; one submission).

Conditions:
Hereditary insensitivity to pain with anhidrosis (CIPA). Also called: INSENSITIVITY TO PAIN, CONGENITAL, WITH ANHIDROSIS; hereditary sensory and autonomic neuropathy type 4; HSAN Type IV; NTRK1 Congenital Insensitivity to Pain with Anhidrosis; NEUROPATHY, CONGENITAL SENSORY, WITH ANHIDROSIS; FAMILIAL DYSAUTONOMIA, TYPE II. Identifiers: Orphanet 642, MedGen C0020074, MONDO:0009746, OMIM 256800.

Allele frequency attached by ClinVar (database versions not stated): gnomAD exomes below 0.00001; TOPMed below 0.00001; gnomAD 0.00001.
gnomAD v4.1: 2 of 1,613,662 alleles (0.00012%); highest among the groups gnomAD compares: Middle Eastern, 0.016%; no homozygotes.

Submission:

Labcorp Genetics (formerly Invitae), Labcorp
Classification: Uncertain significance for Hereditary insensitivity to pain with anhidrosis. Last evaluated: 2021-07-30. Review status: criteria provided, single submitter. Criteria: Invitae Variant Classification Sherloc (09022015). Collection method: clinical testing. Allele origin: germline.
Comment: In summary, the available evidence is currently insufficient to determine the role of this variant in disease. Therefore, it has been classified as a Variant of Uncertain Significance. This sequence change replaces isoleucine with threonine at codon 566 of the NTRK1 protein (p.Ile566Thr). The isoleucine residue is highly conserved and there is a moderate physicochemical difference between isoleucine and threonine. Algorithms developed to predict the effect of missense changes on protein structure and function (SIFT, PolyPhen-2, Align-GVGD) all suggest that this variant is likely to be disruptive, but these predictions have not been confirmed by published functional studies and their clinical significance is uncertain. This variant has not been reported in the literature in individuals with NTRK1-related conditions. This variant is not present in population databases (ExAC no frequency).

NM_002529.4(NTRK1):c.1715T>C (p.Ile572Thr)

Gene: NTRK1 (neurotrophic receptor tyrosine kinase 1; plus strand). Cytogenetic location: 1q23.1.
Variant type: single nucleotide variant.
Coding change: c.1715T>C on transcript NM_002529.4 (MANE Select); coding-DNA position 1715, T replaced by C.
Protein change: p.Ile572Thr; replaces isoleucine 572 with threonine.
Molecular consequence: missense variant.
Genome position (GRCh38, 1-based): chr1:156,876,482, T>C. VCF-style: chr1-156876482-T-C. GRCh37 (hg19) VCF-style: chr1-156846274-T-C.
Other names: c.1607T>C, p.Ile536Thr (NM_001007792.1); c.1697T>C, p.Ile566Thr (NM_001012331.2); short protein forms I572T, I566T, I536T.
Identifiers: ClinVar variation 1447013 (VCV001447013.6), dbSNP rs1205285520, ClinGen allele CA342938563.